The following is an entry in ClinVar:

NM_002878.4(RAD51D):c.89A>G (p.Asp30Gly)

Genes: RAD51D (RAD51 paralog D; minus strand), RAD51L3-RFFL (RAD51L3-RFFL readthrough; minus strand). Cytogenetic location: 17q12.
Variant type: single nucleotide variant.
Coding change: c.89A>G on transcript NM_002878.4 (MANE Select); coding-DNA position 89, A replaced by G.
Protein change: p.Asp30Gly; replaces aspartic acid 30 with glycine.
Molecular consequence: missense variant. On other transcripts: non-coding transcript variant (2).
Genome position (GRCh38, 1-based): chr17:35,119,166, T>C on the plus strand (A>G on the coding strand, the complement: RAD51D is on the minus strand). VCF-style: chr17-35119166-T-C. GRCh37 (hg19) VCF-style: chr17-33446185-T-C.
Other names: c.89A>G, p.Asp30Gly (NM_001142571.2, NM_133629.3); short protein forms D30G.
Identifiers: ClinVar variation 490147 (VCV000490147.9), dbSNP rs1555570421, ClinGen allele CA399092021.
Genomic context (GRCh38, chr17:35,119,166, plus strand): 5'-CTCACCTTGTAAGACAAGCCACATTTCTGAGCTACCTCTTCCAGGTCTGCAGAAACCAGG[T>C]CCACCACTGAAAACAAAACACGTATAGCGGATTGGCAGAGAGGACTGGGGCCTCCCACAC-3'
Protein context (NP_002869.3, residues 20-40): LRSHRIKTVV[Asp30Gly]LVSADLEEVA

ClinVar aggregate classification (germline): Uncertain significance. Review status: criteria provided, multiple submitters, no conflicts (2 of 4 stars). 2 submissions from 2 submitters: Uncertain significance (2). Last evaluated 2024-01-02.

Conditions:
Hereditary cancer-predisposing syndrome. Also called: Hereditary Cancer Syndrome; Neoplastic Syndromes, Hereditary; Tumor predisposition; Hereditary neoplastic syndrome. Identifiers: Orphanet 140162, MedGen C0027672, MeSH D009386, MONDO:0015356.
Breast-ovarian cancer, familial, susceptibility to, 4. Identifiers: Orphanet 145, MedGen C3280345, MONDO:0013669, OMIM 614291.

Submissions (2):

Labcorp Genetics (formerly Invitae), Labcorp
Classification: Uncertain significance for Breast-ovarian cancer, familial, susceptibility to, 4. Last evaluated: 2024-01-02. Review status: criteria provided, single submitter. Criteria: Invitae Variant Classification Sherloc (09022015). Collection method: clinical testing. Allele origin: germline.
Comment: This sequence change replaces aspartic acid, which is acidic and polar, with glycine, which is neutral and non-polar, at codon 30 of the RAD51D protein (p.Asp30Gly). This variant is not present in population databases (gnomAD no frequency). This variant has not been reported in the literature in individuals affected with RAD51D-related conditions. ClinVar contains an entry for this variant (Variation ID: 490147). An algorithm developed to predict the effect of missense changes on protein structure and function (PolyPhen-2) suggests that this variant is likely to be disruptive. In summary, the available evidence is currently insufficient to determine the role of this variant in disease. Therefore, it has been classified as a Variant of Uncertain Significance.

Color Diagnostics, LLC DBA Color Health
Classification: Uncertain significance for Hereditary cancer-predisposing syndrome. Last evaluated: 2023-12-05. Review status: criteria provided, single submitter. Criteria: ACMG Guidelines, 2015. Collection method: clinical testing. Allele origin: germline.
Comment: This missense variant replaces aspartic acid with glycine at codon 30 of the RAD51D protein. Computational prediction is inconclusive regarding the impact of this variant on protein structure and function (internally defined REVEL score threshold 0.5 < inconclusive < 0.7, PMID: 27666373). To our knowledge, functional studies have not been reported for this variant. This variant has not been reported in individuals affected with RAD51D-related disorders in the literature. This variant has not been identified in the general population by the Genome Aggregation Database (gnomAD). The available evidence is insufficient to determine the role of this variant in disease conclusively. Therefore, this variant is classified as a Variant of Uncertain Significance.